The following is an entry in ClinVar:

ClinVar aggregate classification (germline): Uncertain significance (1 of 4 stars; one submission).

Submission:

GeneDx
Classification: Uncertain significance. Last evaluated: 2024-12-02. Review status: criteria provided, single submitter. Criteria: GeneDx Variant Classification Process June 2021. Collection method: clinical testing. Allele origin: germline. Affected: yes.
Comment: Not observed at significant frequency in large population cohorts (gnomAD); Although located in a calcium-binding EGF-like domain of the FBN1 gene, it does not affect a cysteine residue within this domain; cysteine substitutions in the calcium-binding EGF-like domains represent the majority of pathogenic missense changes associated with FBN1-related disorders (PMID:12938084); In silico analysis indicates that this missense variant does not alter protein structure/function; Has not been previously published as pathogenic or benign to our knowledge; This variant is associated with the following publications: (PMID: 12938084)

NM_000138.5(FBN1):c.7750A>T (p.Ile2584Phe)

Gene: FBN1 (fibrillin 1; minus strand). Cytogenetic location: 15q21.1.
Variant type: single nucleotide variant.
Coding change: c.7750A>T on transcript NM_000138.5 (MANE Select); coding-DNA position 7750, A replaced by T.
Protein change: p.Ile2584Phe; replaces isoleucine 2584 with phenylalanine.
Molecular consequence: missense variant.
Genome position (GRCh38, 1-based): chr15:48,420,756, T>A on the plus strand (A>T on the coding strand, the complement: FBN1 is on the minus strand). VCF-style: chr15-48420756-T-A. GRCh37 (hg19) VCF-style: chr15-48712953-T-A.
Other names: c.7750A>T, p.Ile2584Phe (NM_001406716.1); short protein forms I2584F.
Identifiers: ClinVar variation 3900970 (VCV003900970.1).
Genomic context (GRCh38, chr15:48,420,756, plus strand): 5'-GGTTCCACTGGTAGTGCTGGAGGTAGCCCTGGGGGCAGCTGCACCTGTAGCCCCCAATGA[T>A]GTTCTGGCAGCCATGCTGGCAGCGGTGGTTACCCTCACACTCGTCCACGTCTGAAAAAGA-3'
Protein context (NP_000129.3, residues 2574-2594): NHRCQHGCQN[Ile2584Phe]IGGYRCSCPQ